The following is an entry in ClinVar:

NM_000113.3(TOR1A):c.719T>C (p.Leu240Ser)

Gene: TOR1A (torsin family 1 member A; minus strand). Cytogenetic location: 9q34.11.
Variant type: single nucleotide variant.
Coding change: c.719T>C on transcript NM_000113.3 (MANE Select); coding-DNA position 719, T replaced by C.
Protein change: p.Leu240Ser; replaces leucine 240 with serine.
Molecular consequence: missense variant.
Genome position (GRCh38, 1-based): chr9:129,818,549, A>G on the plus strand (T>C on the coding strand, the complement: TOR1A is on the minus strand). VCF-style: chr9-129818549-A-G. GRCh37 (hg19) VCF-style: chr9-132580828-A-G.
Other names: short protein forms L240S.
Identifiers: ClinVar variation 1212505 (VCV001212505.7), dbSNP rs377358943, ClinGen allele CA5278576.

ClinVar aggregate classification (germline): Uncertain significance. Review status: criteria provided, multiple submitters, no conflicts (2 of 4 stars). 3 submissions from 3 submitters: Uncertain significance (3). Last evaluated 2024-10-30.

Conditions:
Dystonic disorder. Also called: Dystonia. Identifiers: MedGen C0013421, MONDO:0003441, HP:0001332.
Arthrogryposis multiplex congenita 5. Identifiers: MedGen C5436453, MONDO:0100218, OMIM 618947.

Allele frequency attached by ClinVar (database versions not stated): ExAC 0.00002; gnomAD 0.00003 and 0.00004; gnomAD exomes 0.00003 and 0.00007; TOPMed 0.00003; ESP Exome Variant Server 0.00008.
gnomAD v4.1: 109 of 1,614,104 alleles (0.0068%); highest among the groups gnomAD compares: Non-Finnish European, 0.0084%; no homozygotes.

Submissions (3):

Labcorp Genetics (formerly Invitae), Labcorp
Classification: Uncertain significance for Dystonic disorder. Last evaluated: 2024-10-30. Review status: criteria provided, single submitter. Criteria: Invitae Variant Classification Sherloc (09022015). Collection method: clinical testing. Allele origin: germline.
Comment: This sequence change replaces leucine, which is neutral and non-polar, with serine, which is neutral and polar, at codon 240 of the TOR1A protein (p.Leu240Ser). This variant is present in population databases (rs377358943, gnomAD 0.01%). This variant has not been reported in the literature in individuals affected with TOR1A-related conditions. ClinVar contains an entry for this variant (Variation ID: 1212505). Invitae Evidence Modeling of protein sequence and biophysical properties (such as structural, functional, and spatial information, amino acid conservation, physicochemical variation, residue mobility, and thermodynamic stability) indicates that this missense variant is expected to disrupt TOR1A protein function with a positive predictive value of 80%. In summary, the available evidence is currently insufficient to determine the role of this variant in disease. Therefore, it has been classified as a Variant of Uncertain Significance.

GeneDx
Classification: Uncertain significance. Last evaluated: 2021-08-30. Review status: criteria provided, single submitter. Criteria: GeneDx Variant Classification Process June 2021. Collection method: clinical testing. Allele origin: germline. Affected: yes.
Comment: In silico analysis, which includes protein predictors and evolutionary conservation, supports a deleterious effect; Has not been previously published as pathogenic or benign to our knowledge

HudsonAlpha Institute for Biotechnology
Classification: Uncertain significance for Arthrogryposis multiplex congenita 5. Review status: criteria provided, single submitter. Criteria: ACMG Guidelines, 2015. Collection method: research. Allele origin: paternal. Observed: 1 variant allele. Study: CSER-HudsonAlpha.